The following is an entry in ClinVar:

ClinVar aggregate classification (germline): Uncertain significance. Review status: criteria provided, multiple submitters, no conflicts (2 of 4 stars). 3 submissions from 3 submitters: Uncertain significance (3). Last evaluated 2024-09-09.

Conditions:
Regressive spondylometaphyseal dysplasia. Also called: PELGER-HUET ANOMALY WITH MILD SKELETAL ANOMALIES. Identifiers: Orphanet 448267, MedGen C4747922, MONDO:0018663, OMIM 618019.
Pelger-Huët anomaly (PHA). Also called: Pelger-Huet Anomaly. Identifiers: MedGen C0030779, MONDO:0008214, OMIM 169400.
Reynolds syndrome. Also called: PRIMARY BILIARY CIRRHOSIS, SCLERODERMA, RAYNAUD DISEASE, AND TELANGIECTASIA. Identifiers: Orphanet 779, MedGen C0748397, MONDO:0013276, OMIM 613471.
Greenberg dysplasia (GRBGD). Also called: CHONDRODYSTROPHY, HYDROPIC AND PRENATALLY LETHAL TYPE; HEM SKELETAL DYSPLASIA; MOTH-EATEN SKELETAL DYSPLASIA. Identifiers: Orphanet 1426, MedGen C2931048, MONDO:0008974, OMIM 215140.

Allele frequency attached by ClinVar (database versions not stated): ExAC 0.00001; gnomAD 0.00001; gnomAD exomes 0.00001; 1000 Genomes Project 30x 0.00016; 1000 Genomes Project 0.00020.
gnomAD v4.1: 9 of 1,595,692 alleles (0.00056%); highest among the groups gnomAD compares: Admixed American, 0.0034%; no homozygotes.

Submissions (3):

ARUP Laboratories, Molecular Genetics and Genomics, ARUP Laboratories
Classification: Uncertain significance. Last evaluated: 2024-09-09. Review status: criteria provided, single submitter. Criteria: ARUP Molecular Germline Variant Investigation Process 2024. Collection method: clinical testing. Allele origin: germline.
Comment: The LBR c.860T>C; p.Ile287Thr variant (rs201093644), to our knowledge, is not reported in the medical literature but is reported in ClinVar (Variation ID: 1414465). This variant is found on two alleles in the Genome Aggregation Database (v2.1.1). Computational analyses are uncertain whether this variant is neutral or deleterious (REVEL: 0.17). Due to limited information, the clinical significance of this variant is uncertain at this time.

Labcorp Genetics (formerly Invitae), Labcorp
Classification: Uncertain significance. Last evaluated: 2021-09-10. Review status: criteria provided, single submitter. Criteria: Invitae Variant Classification Sherloc (09022015). Collection method: clinical testing. Allele origin: germline.
Comment: This sequence change replaces isoleucine with threonine at codon 287 of the LBR protein (p.Ile287Thr). The isoleucine residue is weakly conserved and there is a moderate physicochemical difference between isoleucine and threonine. This variant is present in population databases (rs201093644, ExAC 0.003%). This variant has not been reported in the literature in individuals affected with LBR-related conditions. Advanced modeling of protein sequence and biophysical properties (such as structural, functional, and spatial information, amino acid conservation, physicochemical variation, residue mobility, and thermodynamic stability) performed at Invitae indicates that this missense variant is not expected to disrupt LBR protein function. In summary, the available evidence is currently insufficient to determine the role of this variant in disease. Therefore, it has been classified as a Variant of Uncertain Significance.

Fulgent Genetics
Classification: Uncertain significance for Pelger-Huët anomaly; Greenberg dysplasia; Reynolds syndrome; Regressive spondylometaphyseal dysplasia. Last evaluated: 2021-07-13. Review status: criteria provided, single submitter. Criteria: ACMG Guidelines, 2015. Collection method: clinical testing. Allele origin: unknown.

NM_002296.4(LBR):c.860T>C (p.Ile287Thr)

Gene: LBR (lamin B receptor; minus strand). Cytogenetic location: 1q42.12.
Variant type: single nucleotide variant.
Coding change: c.860T>C on transcript NM_002296.4 (MANE Select); coding-DNA position 860, T replaced by C.
Protein change: p.Ile287Thr; replaces isoleucine 287 with threonine.
Molecular consequence: missense variant.
Genome position (GRCh38, 1-based): chr1:225,415,310, A>G on the plus strand (T>C on the coding strand, the complement: LBR is on the minus strand). VCF-style: chr1-225415310-A-G. GRCh37 (hg19) VCF-style: chr1-225603012-A-G.
Other names: c.860T>C, p.Ile287Thr (NM_194442.3); short protein forms I287T.
Identifiers: ClinVar variation 1414465 (VCV001414465.5), dbSNP rs201093644, ClinGen allele CA1417348.